The following is an entry in ClinVar:

ClinVar aggregate classification (germline): Uncertain significance. Review status: criteria provided, multiple submitters, no conflicts (2 of 4 stars). 2 submissions from 2 submitters: Uncertain significance (2). Last evaluated 2025-07-02.

Allele frequency attached by ClinVar (database versions not stated): gnomAD 0.00003; TOPMed 0.00003; ExAC 0.00004; 1000 Genomes Project 0.00020; gnomAD exomes 0.00003; 1000 Genomes Project 30x 0.00016.
gnomAD v4.1: 43 of 1,602,630 alleles (0.0027%); highest among the groups gnomAD compares: South Asian, 0.019%; no homozygotes.

Submissions (2):

Labcorp Genetics (formerly Invitae), Labcorp
Classification: Uncertain significance. Last evaluated: 2025-07-02. Review status: criteria provided, single submitter. Criteria: Invitae Variant Classification Sherloc (09022015). Collection method: clinical testing. Allele origin: germline.
Comment: This sequence change replaces isoleucine, which is neutral and non-polar, with threonine, which is neutral and polar, at codon 246 of the POC5 protein (p.Ile246Thr). This variant is present in population databases (rs201061779, gnomAD 0.02%). This variant has not been reported in the literature in individuals affected with POC5-related conditions. ClinVar contains an entry for this variant (Variation ID: 2902959). An algorithm developed to predict the effect of missense changes on protein structure and function outputs the following: PolyPhen-2: "Benign". The threonine amino acid residue is found in multiple mammalian species, which suggests that this missense change does not adversely affect protein function. In summary, the available evidence is currently insufficient to determine the role of this variant in disease. Therefore, it has been classified as a Variant of Uncertain Significance.

Ambry Genetics
Classification: Uncertain significance. Last evaluated: 2025-07-01. Review status: criteria provided, single submitter. Criteria: Ambry Variant Classification Scheme 2023. Collection method: clinical testing. Allele origin: germline.

NM_001099271.2(POC5):c.737T>C (p.Ile246Thr)

Gene: POC5 (POC5 centriolar protein; minus strand). Cytogenetic location: 5q13.3.
Variant type: single nucleotide variant.
Coding change: c.737T>C on transcript NM_001099271.2 (MANE Select); coding-DNA position 737, T replaced by C.
Protein change: p.Ile246Thr; replaces isoleucine 246 with threonine.
Molecular consequence: missense variant.
Genome position (GRCh38, 1-based): chr5:75,692,454, A>G on the plus strand (T>C on the coding strand, the complement: POC5 is on the minus strand). VCF-style: chr5-75692454-A-G. GRCh37 (hg19) VCF-style: chr5-74988279-A-G.
Other names: c.662T>C, p.Ile221Thr (NM_152408.3); c.737T>C (NM_001099271.1); short protein forms I221T, I246T.
Identifiers: ClinVar variation 2902959 (VCV002902959.4), dbSNP rs201061779, ClinGen allele CA3310501.
Genomic context (GRCh38, chr5:75,692,454, plus strand): 5'-ACATCCTGTCTGGCTCTGACATGGCCGATTCGCCAGTGGAAGAATGTTCTCATCAACTCT[A>G]TCTTTTCCTTTTGCTTGCCTATGGCATGAGACAAGCTAGAAATCACCTGTAAACAGCAAT-3'
Protein context (NP_001092741.1, residues 236-256): SHAIGKQKEK[Ile246Thr]ELMRTFFHWR